The following is an entry in ClinVar:

NM_004415.4(DSP):c.597+306G>A

Gene: DSP (desmoplakin; plus strand). Cytogenetic location: 6p24.3.
Variant type: single nucleotide variant.
Coding change: c.597+306G>A on transcript NM_004415.4 (MANE Select); 306 bases into the intron after coding-DNA position 597, G replaced by A.
Molecular consequence: intron variant.
Genome position (GRCh38, 1-based): chr6:7,559,706, G>A. VCF-style: chr6-7559706-G-A. GRCh37 (hg19) VCF-style: chr6-7559939-G-A.
Other names: c.597+306G>A (NM_001319034.2, NM_001008844.3).
Identifiers: ClinVar variation 671436 (VCV000671436.1), dbSNP rs75575528, ClinGen allele CA133951491.
Genomic context (GRCh38, chr6:7,559,706, plus strand): 5'-TATTTAACATGTGTAATTTAGTTAGTAGACTTTGAATATCCAGTTCTTATATTGACCACC[G>A]GAAAGATCTGTTGTGGGAGTTTATGTGCTAAATAACTTCATTGTTCTATGTGAGTGGCAA-3'

ClinVar aggregate classification (germline): Likely benign (1 of 4 stars; one submission).

Allele frequency attached by ClinVar (database versions not stated): gnomAD 0.01261 and 0.01311; TOPMed 0.01409; 1000 Genomes Project 0.01677; 1000 Genomes Project 30x 0.01811.
gnomAD v4.1: 1,897 of 152,114 alleles (1.2%); highest among the groups gnomAD compares: African/African-American, 4.1%; 34 homozygotes.

Submission:

GeneDx
Classification: Likely benign. Last evaluated: 2018-06-14. Review status: criteria provided, single submitter. Criteria: GeneDx Variant Classification (06012015). Collection method: clinical testing. Allele origin: germline. Affected: yes.
Comment: This variant is considered likely benign or benign based on one or more of the following criteria: it is a conservative change, it occurs at a poorly conserved position in the protein, it is predicted to be benign by multiple in silico algorithms, and/or has population frequency not consistent with disease.